The following is an entry in ClinVar:

Conditions:
Long QT syndrome 5 (LQT5). Identifiers: Orphanet 101016, Orphanet 768, MedGen C1867904, MONDO:0013372, OMIM 613695.

Submission:

Roden Lab, Vanderbilt University Medical Center
No classification provided (evidence only). Condition: Long QT syndrome 5. Review status: no classification provided. Collection method: in vitro. Allele origin: not applicable. Functional consequence: Effect on ion channel function.
ClinVar note: "not provided" was previously submitted as the classification for the variant. However, the classification appeared to be based only on an observation of functional data so it was converted to no classification on 2025-07-30.

NM_000219.6(KCNE1):c.47T>A (p.Leu16Gln)

Gene: KCNE1 (potassium voltage-gated channel subfamily E regulatory subunit 1; minus strand). Cytogenetic location: 21q22.12.
Variant type: single nucleotide variant.
Coding change: c.47T>A on transcript NM_000219.6 (MANE Select); coding-DNA position 47, T replaced by A.
Protein change: p.Leu16Gln; replaces leucine 16 with glutamine.
Molecular consequence: missense variant.
Genome position (GRCh38, 1-based): chr21:34,449,588, A>T on the plus strand (T>A on the coding strand, the complement: KCNE1 is on the minus strand). VCF-style: chr21-34449588-A-T. GRCh37 (hg19) VCF-style: chr21-35821886-A-T.
Other names: c.47T>A, p.Leu16Gln (NM_001127668.4, NM_001127669.4, NM_001127670.4 and 4 more transcripts); short protein forms L16Q.
Identifiers: ClinVar variation 3373901 (VCV003373901.2).